The following is an entry in ClinVar:

ClinVar aggregate classification (germline): Pathogenic/Likely pathogenic. Review status: criteria provided, multiple submitters, no conflicts (2 of 4 stars). 3 submissions from 3 submitters: Pathogenic (1); Likely pathogenic (2). Last evaluated 2024-10-14.

Conditions:
PMM2-related disorder. Also called: PMM2-related condition.
PMM2-congenital disorder of glycosylation. Also called: CDG Ia; PHOSPHOMANNOMUTASE 2 DEFICIENCY; CARBOHYDRATE-DEFICIENT GLYCOPROTEIN SYNDROME, TYPE Ia; PMM2-CDG; JAEKEN SYNDROME; Congenital disorder of glycosylation, type Ia. Identifiers: Orphanet 79318, MedGen C0349653, MONDO:0008907, OMIM 212065.

Submissions (3):

PreventionGenetics, part of Exact Sciences
Classification: Likely pathogenic for PMM2-related condition. Last evaluated: 2024-10-14. Review status: criteria provided, single submitter. Criteria: ACMG Guidelines, 2015. Collection method: clinical testing. Allele origin: germline.
Comment: The PMM2 c.127G>A variant is predicted to result in the amino acid substitution p.Val43Met. This variant has been reported in the compound heterozygous state with a recurrent pathogenic variant in PMM2 in an individual with congenital disorder of glycosylation 1 (Bastaki et al. 2018. PubMed ID: 28940310). This variant has not been reported in a large population database, indicating this variant is rare. Missense prediction programs classify this amino acid change as damaging. This variant is interpreted as likely pathogenic.

Labcorp Genetics (formerly Invitae), Labcorp
Classification: Pathogenic for PMM2-congenital disorder of glycosylation. Last evaluated: 2024-03-04. Review status: criteria provided, single submitter. Criteria: Invitae Variant Classification Sherloc (09022015). Collection method: clinical testing. Allele origin: germline.
Comment: This sequence change replaces valine, which is neutral and non-polar, with methionine, which is neutral and non-polar, at codon 43 of the PMM2 protein (p.Val43Met). This variant is not present in population databases (gnomAD no frequency). This missense change has been observed in individual(s) with congenital disorder of glycosylation type 1 (PMID: 28940310). In at least one individual the data is consistent with being in trans (on the opposite chromosome) from a pathogenic variant. ClinVar contains an entry for this variant (Variation ID: 495321). Advanced modeling of protein sequence and biophysical properties (such as structural, functional, and spatial information, amino acid conservation, physicochemical variation, residue mobility, and thermodynamic stability) performed at Invitae indicates that this missense variant is expected to disrupt PMM2 protein function with a positive predictive value of 95%. For these reasons, this variant has been classified as Pathogenic.

Centre for Arab Genomic Studies, Sheikh Hamdan Award for Medical Sciences
Classification: Likely pathogenic for PMM2-congenital disorder of glycosylation. Last evaluated: 2017-07-15. Review status: criteria provided, single submitter. Criteria: Bastaki F et al. (Ann Hum Genet 2018). Collection method: clinical testing. Allele origin: inherited. Inheritance: Autosomal recessive inheritance. Affected: yes. Observed: 1 variant allele, 1 compound heterozygote.

Literature cited by the submitters: PubMed 28940310 (cited by Labcorp Genetics (formerly Invitae), Labcorp).

NM_000303.3(PMM2):c.127G>A (p.Val43Met)

Gene: PMM2 (phosphomannomutase 2; plus strand). Cytogenetic location: 16p13.2.
Variant type: single nucleotide variant.
Coding change: c.127G>A on transcript NM_000303.3 (MANE Select); coding-DNA position 127, G replaced by A.
Protein change: p.Val43Met; replaces valine 43 with methionine.
Molecular consequence: missense variant.
Genome position (GRCh38, 1-based): chr16:8,801,859, G>A. VCF-style: chr16-8801859-G-A. GRCh37 (hg19) VCF-style: chr16-8895716-G-A.
Other names: short protein forms V43M.
Identifiers: ClinVar variation 495321 (VCV000495321.5), dbSNP rs376754460, ClinGen allele CA394695248.